The following is an entry in ClinVar:

NM_015047.3(EMC1):c.217A>T (p.Ile73Phe)

Gene: EMC1 (ER membrane protein complex subunit 1; minus strand). Cytogenetic location: 1p36.13.
Variant type: single nucleotide variant.
Coding change: c.217A>T on transcript NM_015047.3 (MANE Select); coding-DNA position 217, A replaced by T.
Protein change: p.Ile73Phe; replaces isoleucine 73 with phenylalanine.
Molecular consequence: missense variant.
Genome position (GRCh38, 1-based): chr1:19,244,909, T>A on the plus strand (A>T on the coding strand, the complement: EMC1 is on the minus strand). VCF-style: chr1-19244909-T-A. GRCh37 (hg19) VCF-style: chr1-19571403-T-A.
Other names: c.217A>T, p.Ile73Phe (NM_001271427.2, NM_001271428.2, NM_001271429.2 and 2 more transcripts); short protein forms I73F.
Identifiers: ClinVar variation 3369516 (VCV003369516.1).

ClinVar aggregate classification (germline): Uncertain significance (1 of 4 stars; one submission).

Submission:

GeneDx
Classification: Uncertain significance. Last evaluated: 2024-02-23. Review status: criteria provided, single submitter. Criteria: GeneDx Variant Classification Process June 2021. Collection method: clinical testing. Allele origin: germline. Affected: yes.
Comment: Not observed at significant frequency in large population cohorts (gnomAD); In silico analysis supports that this missense variant has a deleterious effect on protein structure/function; Has not been previously published as pathogenic or benign to our knowledge